The following is an entry in ClinVar:

NM_000540.3(RYR1):c.3924G>C (p.Pro1308=)

Gene: RYR1 (ryanodine receptor 1; plus strand). Cytogenetic location: 19q13.2.
Variant type: single nucleotide variant.
Coding change: c.3924G>C on transcript NM_000540.3 (MANE Select); coding-DNA position 3924, G replaced by C.
Protein change: p.Pro1308=; no amino-acid change (proline 1308 retained).
Molecular consequence: synonymous variant.
Genome position (GRCh38, 1-based): chr19:38,473,535, G>C. VCF-style: chr19-38473535-G-C. GRCh37 (hg19) VCF-style: chr19-38964175-G-C.
Other names: c.3924G>C, p.Pro1308= (NM_001042723.2).
Identifiers: ClinVar variation 329014 (VCV000329014.41), dbSNP rs144350050, ClinGen allele CA065352.

ClinVar aggregate classification (germline): Conflicting classifications of pathogenicity. Review status: criteria provided, conflicting classifications (1 of 4 stars). 9 submissions from 8 submitters: Uncertain significance (2); Likely benign (7). Last evaluated 2026-09-01.

Conditions:
RYR1-related disorder. Also called: RYR1-related condition; RYR1-related disorders. Identifiers: MedGen CN239331.
Congenital multicore myopathy with external ophthalmoplegia (CMYO1B). Also called: Congenital myopathy 1B, autosomal recessive; Minicore myopathy; MULTIMINICORE DISEASE WITH EXTERNAL OPHTHALMOPLEGIA; MULTICORE MYOPATHY; Minicore myopathy with external ophthalmoplegia. Identifiers: Orphanet 598, Orphanet 98905, MedGen C1850674, MONDO:0009712, OMIM 255320, HP:0003789.
Malignant hyperthermia, susceptibility to, 1 (MHS1). Also called: RYR1-Related Malignant Hyperthermia Susceptibility; Anesthesia related hyperthermia; Malignant hyperpyrexia; Fulminating hyperpyrexia; Pharmacogenic myopathy; Malignant hyperthermia suceptibility 1. Identifiers: Orphanet 423, MedGen C2930980, MONDO:0007783, OMIM 145600.

Allele frequency attached by ClinVar (database versions not stated): ExAC 0.00014; gnomAD 0.00015 and 0.00017; gnomAD exomes 0.00015; TOPMed 0.00015; ESP Exome Variant Server 0.00023; 1000 Genomes Project 0.00040; 1000 Genomes Project 30x 0.00047.
gnomAD v4.1: 228 of 1,609,834 alleles (0.014%); highest among the groups gnomAD compares: Admixed American, 0.041%; no homozygotes.

Submissions (9):

CeGaT Center for Human Genetics Tuebingen
Classification: Likely benign. Last evaluated: 2026-09-01. Review status: criteria provided, single submitter. Criteria: CeGaT Center For Human Genetics Tuebingen Variant Classification Criteria Version 2. Collection method: clinical testing. Allele origin: germline. Affected: yes. Observed: 3 variant alleles.
Comment: RYR1: BP4, BP7

Labcorp Genetics (formerly Invitae), Labcorp
Classification: Likely benign for RYR1-related disorder. Last evaluated: 2025-11-08. Review status: criteria provided, single submitter. Criteria: Invitae Variant Classification Sherloc (09022015). Collection method: clinical testing. Allele origin: germline.

Blueprint Genetics
Classification: Likely benign. Last evaluated: 2024-04-23. Review status: criteria provided, single submitter. Criteria: ACMG Guidelines, 2015. Collection method: clinical testing. Allele origin: germline.

All of Us Research Program, National Institutes of Health
Classification: Likely benign for Malignant hyperthermia, susceptibility to, 1. Last evaluated: 2024-02-05. Review status: criteria provided, single submitter. Criteria: ACMG Guidelines, 2015. Collection method: clinical testing. Allele origin: germline. Inheritance: Autosomal dominant inheritance. Observed: 55 variant alleles, 55 heterozygotes.
Comment: This study involves interpretation of variants in research participants for the purpose of population health screening. Participant phenotype was not available at the time of variant classification. Additional details can be found in publication PMID: 35346344, PMCID: PMC8962531

Color Diagnostics, LLC DBA Color Health
Classification: Likely benign for Malignant hyperthermia, susceptibility to, 1. Last evaluated: 2022-12-02. Review status: criteria provided, single submitter. Criteria: ACMG Guidelines, 2015. Collection method: clinical testing. Allele origin: germline.

GeneDx
Classification: Likely benign. Last evaluated: 2020-06-09. Review status: criteria provided, single submitter. Criteria: GeneDx Variant Classification Process June 2021. Collection method: clinical testing. Allele origin: germline. Affected: yes.

Illumina Laboratory Services, Illumina
Classification: Uncertain significance for Congenital multicore myopathy with external ophthalmoplegia. Last evaluated: 2018-01-13. Review status: criteria provided, single submitter. Criteria: ICSL Variant Classification Criteria 13 December 2019. Collection method: clinical testing. Allele origin: germline.

Illumina Laboratory Services, Illumina
Classification: Uncertain significance for Malignant hyperthermia, susceptibility to, 1. Last evaluated: 2018-01-13. Review status: criteria provided, single submitter. Criteria: ICSL Variant Classification Criteria 13 December 2019. Collection method: clinical testing. Allele origin: germline.

PreventionGenetics, part of Exact Sciences
Classification: Likely benign. Last evaluated: 2016-06-28. Review status: criteria provided, single submitter. Criteria: ACMG Guidelines, 2015. Collection method: clinical testing. Allele origin: germline.